The following is an entry in ClinVar:

ClinVar aggregate classification (germline): Likely pathogenic. Review status: criteria provided, multiple submitters, no conflicts (2 of 4 stars). 4 submissions from 4 submitters: Likely pathogenic (3). 1 of the submissions does not count toward it. Last evaluated 2024-01-29.

Conditions:
Pontoneocerebellar hypoplasia. Also called: Pontocerebellar hypoplasia; Non-syndromic pontocerebellar hypoplasia. Identifiers: Orphanet 98523, MedGen C1261175, MONDO:0020135.
Pontocerebellar hypoplasia type 2B (PCH2B). Identifiers: Orphanet 2524, MedGen C2676466, MONDO:0012890, OMIM 612389.

Submissions (4):

Fulgent Genetics
Classification: Likely pathogenic for Pontocerebellar hypoplasia type 2B. Last evaluated: 2024-01-29. Review status: criteria provided, single submitter. Criteria: ACMG Guidelines, 2015. Collection method: clinical testing. Allele origin: germline.

Women's Health and Genetics/Laboratory Corporation of America, LabCorp
Classification: Likely pathogenic for Pontoneocerebellar hypoplasia. Last evaluated: 2023-03-09. Review status: criteria provided, single submitter. Criteria: LabCorp Variant Classification Summary - May 2015. Collection method: clinical testing. Allele origin: germline.
Comment: Variant summary: TSEN2 c.960+1_960+5delGTAAG is located in a canonical splice-site and is predicted to affect mRNA splicing resulting in a significantly altered protein due to either exon skipping, shortening, or inclusion of intronic material. Several computational tools predict a significant impact on normal splicing: Four predict the variant abolishes a 5 prime splicing donor site. However, these predictions have yet to be confirmed by functional studies. The variant allele was found at a frequency of 4e-06 in 251408 control chromosomes. c.960+1_960+5delGTAAG has been reported as a compound heterozygous genotype in the literature in two siblings affected with Pontocerebellar Hypoplasia, Type 2B (Namavar_2011). These data indicate that the variant may be associated with disease. To our knowledge, no experimental evidence demonstrating an impact on protein function has been reported. No clinical diagnostic laboratories have submitted clinical-significance assessments for this variant to ClinVar after 2014. Based on the evidence outlined above, the variant was classified as likely pathogenic.

Kariminejad - Najmabadi Pathology & Genetics Center
Classification: Likely pathogenic for Pontocerebellar hypoplasia type 2B. Review status: criteria provided, single submitter. Criteria: ACMG Guidelines, 2015. Collection method: clinical testing. Allele origin: germline. Affected: no.

OMIM
Classification: Pathogenic for PONTOCEREBELLAR HYPOPLASIA, TYPE 2B. Last evaluated: 2011-01-01. Review status: no assertion criteria provided. Collection method: literature only. Allele origin: germline. Not counted in ClinVar's aggregate classification.

Literature cited by the submitters: PubMed 20952379 (cited by Women's Health and Genetics/Laboratory Corporation of America, LabCorp and OMIM).

NM_025265.4(TSEN2):c.960+1_960+5del

Gene: TSEN2 (tRNA splicing endonuclease subunit 2; plus strand). Cytogenetic location: 3p25.2.
Variant type: Deletion.
Coding change: c.960+1_960+5del on transcript NM_025265.4 (MANE Select); the canonical splice donor site of the intron after coding-DNA position 960 through 5 bases into the intron after coding-DNA position 960, 5 bases deleted (GTAAG; older notation c.960+1_960+5delGTAAG).
Molecular consequence: splice donor variant.
Genome position (GRCh38, 1-based): chr3:12,516,662-12,516,666, GTAAG deleted; deleting any 5 consecutive bases within chr3:12,516,659-12,516,666 gives the same sequence; the c. name uses the placement nearest the transcript's 3' end. VCF-style (leftmost placement, unchanged base first): chr3-12516658-GAAGGT-G. GRCh37 (hg19) VCF-style: chr3-12558157-GAAGGT-G.
Other names: c.960+1_960+5del (NM_001321278.2, NM_001145392.2, NM_001321277.2); c.882+1_882+5del (NM_001321279.2, NM_001145393.3); c.783+1_783+5del (NM_001145394.2); c.960+1_960+5delGTAAG (NM_025265.3).
Identifiers: ClinVar variation 180669 (VCV000180669.6), dbSNP rs886037738, ClinGen allele CA10575682.